The following is an entry in ClinVar:

ClinVar aggregate classification (germline): Pathogenic (1 of 4 stars; one submission).

Conditions:
Short-rib thoracic dysplasia 7 with or without polydactyly (SRTD7). Also called: Short rib polydactyly syndrome 5; SHORT-RIB THORACIC DYSPLASIA 7 WITH POLYDACTYLY. Identifiers: Orphanet 498497, Orphanet 93271, MedGen C3279792, MONDO:0013569, OMIM 614091.
Cranioectodermal dysplasia 2 (CED2). Identifiers: Orphanet 1515, MedGen C3150874, MONDO:0013323, OMIM 613610.

gnomAD v4.1: 3 of 1,613,984 alleles (0.00019%); highest among the groups gnomAD compares: Non-Finnish European, 0.00025%; no homozygotes.

Submission:

Labcorp Genetics (formerly Invitae), Labcorp
Classification: Pathogenic for Cranioectodermal dysplasia 2; Short-rib thoracic dysplasia 7 with or without polydactyly. Last evaluated: 2025-05-19. Review status: criteria provided, single submitter. Criteria: Invitae Variant Classification Sherloc (09022015). Collection method: clinical testing. Allele origin: germline.
Comment: This sequence change creates a premature translational stop signal (p.Trp780*) in the WDR35 gene. It is expected to result in an absent or disrupted protein product. Loss-of-function variants in WDR35 are known to be pathogenic (PMID: 22486404, 29068549). This variant is not present in population databases (gnomAD no frequency). This variant has not been reported in the literature in individuals affected with WDR35-related conditions. For these reasons, this variant has been classified as Pathogenic.

Literature cited by the submitters: PubMed 22486404; PubMed 29068549.

NM_020779.4(WDR35):c.2306G>A (p.Trp769Ter)

Gene: WDR35 (WD repeat domain 35; minus strand). Cytogenetic location: 2p24.1.
Variant type: single nucleotide variant.
Coding change: c.2306G>A on transcript NM_020779.4 (MANE Select); coding-DNA position 2306, G replaced by A.
Protein change: p.Trp769Ter; replaces tryptophan 769 with a stop codon.
Molecular consequence: nonsense.
Genome position (GRCh38, 1-based): chr2:19,936,327, C>T on the plus strand (G>A on the coding strand, the complement: WDR35 is on the minus strand). VCF-style: chr2-19936327-C-T. GRCh37 (hg19) VCF-style: chr2-20136088-C-T.
Other names: c.2339G>A, p.Trp780Ter (NM_001006657.2); short protein forms W769*, W780*.
Identifiers: ClinVar variation 4785065 (VCV004785065.1).